The following is an entry in ClinVar:

ClinVar aggregate classification (germline): Uncertain significance (1 of 4 stars; one submission).

Conditions:
Jeune thoracic dystrophy. Also called: Jeune syndrome; Infantile thoracic dystrophy; Thoracic pelvic phalangeal dystrophy; Jeune's syndrome; Chondroectodermal dysplasia-like syndrome; Short-rib thoracic dysplasia. Identifiers: Orphanet 474, MedGen C0265275, MONDO:0018770.

gnomAD v4.1: 1 of 1,613,026 alleles (0.000062%); highest among the groups gnomAD compares: Non-Finnish European, 0.000085%; no homozygotes.

Submission:

Labcorp Genetics (formerly Invitae), Labcorp
Classification: Uncertain significance for Jeune thoracic dystrophy. Last evaluated: 2025-02-20. Review status: criteria provided, single submitter. Criteria: Invitae Variant Classification Sherloc (09022015). Collection method: clinical testing. Allele origin: germline.
Comment: This sequence change replaces methionine, which is neutral and non-polar, with valine, which is neutral and non-polar, at codon 707 of the DYNC2H1 protein (p.Met707Val). This variant is not present in population databases (gnomAD no frequency). This variant has not been reported in the literature in individuals affected with DYNC2H1-related conditions. Invitae Evidence Modeling of protein sequence and biophysical properties (such as structural, functional, and spatial information, amino acid conservation, physicochemical variation, residue mobility, and thermodynamic stability) has been performed for this missense variant. However, the output from this modeling did not meet the statistical confidence thresholds required to predict the impact of this variant on DYNC2H1 protein function. In summary, the available evidence is currently insufficient to determine the role of this variant in disease. Therefore, it has been classified as a Variant of Uncertain Significance.

NM_001377.3(DYNC2H1):c.2119A>G (p.Met707Val)

Gene: DYNC2H1 (dynein cytoplasmic 2 heavy chain 1; plus strand). Cytogenetic location: 11q22.3.
Variant type: single nucleotide variant.
Coding change: c.2119A>G on transcript NM_001377.3 (MANE Select); coding-DNA position 2119, A replaced by G.
Protein change: p.Met707Val; replaces methionine 707 with valine.
Molecular consequence: missense variant.
Genome position (GRCh38, 1-based): chr11:103,134,333, A>G. VCF-style: chr11-103134333-A-G. GRCh37 (hg19) VCF-style: chr11-103005062-A-G.
Other names: c.2119A>G, p.Met707Val (NM_001080463.2); short protein forms M707V.
Identifiers: ClinVar variation 3694652 (VCV003694652.2).